The following is an entry in ClinVar:

ClinVar aggregate classification (germline): Uncertain significance. Review status: criteria provided, multiple submitters, no conflicts (2 of 4 stars). 2 submissions from 2 submitters: Uncertain significance (2). Last evaluated 2026-07-05.

Conditions:
Tuberous sclerosis 2 (TSC2). Identifiers: Orphanet 805, MedGen C1860707, MONDO:0013199, OMIM 613254.
Hereditary cancer-predisposing syndrome. Also called: Hereditary Cancer Syndrome; Tumor predisposition; Neoplastic Syndromes, Hereditary; Hereditary neoplastic syndrome. Identifiers: Orphanet 140162, MedGen C0027672, MeSH D009386, MONDO:0015356.

gnomAD v4.1: 1 of 1,613,180 alleles (0.000062%); no homozygotes.

Submissions (2):

Ambry Genetics
Classification: Uncertain significance for Hereditary cancer-predisposing syndrome. Last evaluated: 2026-07-05. Review status: criteria provided, single submitter. Criteria: Ambry Variant Classification Scheme 2023. Collection method: clinical testing. Allele origin: germline.
Comment: The p.P953L variant (also known as c.2858C>T), located in coding exon 25 of the TSC2 gene, results from a C to T substitution at nucleotide position 2858. The proline at codon 953 is replaced by leucine, an amino acid with similar properties. This amino acid position is conserved. In addition, the in silico prediction for this alteration is inconclusive. Based on the available evidence, the clinical significance of this variant remains unclear.

Labcorp Genetics (formerly Invitae), Labcorp
Classification: Uncertain significance for Tuberous sclerosis 2. Last evaluated: 2021-11-25. Review status: criteria provided, single submitter. Criteria: Invitae Variant Classification Sherloc (09022015). Collection method: clinical testing. Allele origin: germline.
Comment: In summary, the available evidence is currently insufficient to determine the role of this variant in disease. Therefore, it has been classified as a Variant of Uncertain Significance. Advanced modeling of protein sequence and biophysical properties (such as structural, functional, and spatial information, amino acid conservation, physicochemical variation, residue mobility, and thermodynamic stability) performed at Invitae indicates that this missense variant is not expected to disrupt TSC2 protein function. This variant has not been reported in the literature in individuals affected with TSC2-related conditions. This variant is not present in population databases (gnomAD no frequency). This sequence change replaces proline, which is neutral and non-polar, with leucine, which is neutral and non-polar, at codon 953 of the TSC2 protein (p.Pro953Leu).

NM_000548.5(TSC2):c.2858C>T (p.Pro953Leu)

Gene: TSC2 (TSC complex subunit 2; plus strand). Cytogenetic location: 16p13.3.
Variant type: single nucleotide variant.
Coding change: c.2858C>T on transcript NM_000548.5 (MANE Select); coding-DNA position 2858, C replaced by T.
Protein change: p.Pro953Leu; replaces proline 953 with leucine.
Molecular consequence: missense variant. On other transcripts: intron variant (9).
Genome position (GRCh38, 1-based): chr16:2,077,618, C>T. VCF-style: chr16-2077618-C-T. GRCh37 (hg19) VCF-style: chr16-2127619-C-T.
Other names: c.2858C>T, p.Pro953Leu (NM_001114382.3); c.2837+1033C>T (NM_021055.3, NM_001370405.1, NM_001363528.2 and 2 more transcripts); c.2726+1033C>T (NM_001318827.2); c.2237+1033C>T (NM_001318831.2); c.2690+1033C>T (NM_001318829.2); c.2870+1033C>T (NM_001318832.2); c.2858C>T (NM_000548.3); short protein forms P953L.
Identifiers: ClinVar variation 1460704 (VCV001460704.7), dbSNP rs1303011979, ClinGen allele CA394280849.
Genomic context (GRCh38, chr16:2,077,618, plus strand): 5'-GGGCTCTCTGGGGCGTTGGGGCTCCTTCCTCACCCGATAGTCTGAGGATAGCCAGACCCC[C>T]CAAACAAGGCTTGAATAACTCTCCACCCGTGAAAGAATTCAAGGAGAGCTCTGCAGCCGA-3'
Protein context (NP_000539.2, residues 943-963): RPKSLRIARP[Pro953Leu]KQGLNNSPPV